The following is an entry in ClinVar:

ClinVar aggregate classification (germline): Uncertain significance (1 of 4 stars; one submission).

Conditions:
GM3 synthase deficiency (SPDRS). Also called: SALT AND PEPPER MENTAL RETARDATION SYNDROME; SALT AND PEPPER DEVELOPMENTAL REGRESSION SYNDROME; AMISH INFANTILE EPILEPSY SYNDROME. Identifiers: Orphanet 171714, Orphanet 370933, MedGen C1836824, MONDO:0018274, OMIM 609056.

Submission:

Labcorp Genetics (formerly Invitae), Labcorp
Classification: Uncertain significance for GM3 synthase deficiency. Last evaluated: 2021-06-13. Review status: criteria provided, single submitter. Criteria: Invitae Variant Classification Sherloc (09022015). Collection method: clinical testing. Allele origin: germline.
Comment: In summary, the available evidence is currently insufficient to determine the role of this variant in disease. Therefore, it has been classified as a Variant of Uncertain Significance. Algorithms developed to predict the effect of missense changes on protein structure and function (SIFT, PolyPhen-2, Align-GVGD) all suggest that this variant is likely to be tolerated, but these predictions have not been confirmed by published functional studies and their clinical significance is uncertain. This variant has not been reported in the literature in individuals with ST3GAL5-related conditions. The frequency data for this variant in the population databases is considered unreliable, as metrics indicate insufficient coverage at this position in the ExAC database. This sequence change replaces arginine with glycine at codon 2 of the ST3GAL5 protein (p.Arg2Gly). The arginine residue is weakly conserved and there is a moderate physicochemical difference between arginine and glycine.

NM_003896.4(ST3GAL5):c.4C>G (p.Arg2Gly)

Genes: ST3GAL5 (ST3 beta-galactoside alpha-2,3-sialyltransferase 5; minus strand), LOC129934236 (ATAC-STARR-seq lymphoblastoid silent region 11709; plus strand). Cytogenetic location: 2p11.2.
Variant type: single nucleotide variant.
Coding change: c.4C>G on transcript NM_003896.4 (MANE Select); coding-DNA position 4, C replaced by G.
Protein change: p.Arg2Gly; replaces arginine 2 with glycine.
Molecular consequence: missense variant. On other transcripts: 5 prime UTR variant (6).
Genome position (GRCh38, 1-based): chr2:85,888,902, G>C on the plus strand (C>G on the coding strand, the complement: ST3GAL5 is on the minus strand). VCF-style: chr2-85888902-G-C. GRCh37 (hg19) VCF-style: chr2-86116025-G-C.
Other names: c.-959C>G (NM_001354223.2); c.-621C>G (NM_001354224.2); c.-558C>G (NM_001354226.2); c.-268C>G (NM_001354227.2); c.-212C>G (NM_001354229.2); c.-998C>G (NM_001354233.2); c.4C>G, p.Arg2Gly (NM_001363847.1); short protein forms R2G.
Identifiers: ClinVar variation 1488463 (VCV001488463.8), dbSNP rs1688076303, ClinGen allele CA347536213.